The following is an entry in ClinVar:

ClinVar aggregate classification (germline): Likely benign (1 of 4 stars; one submission).

Conditions:
Hypogonadotropic hypogonadism 7 with or without anosmia (HH7). Also called: HYPOGONADOTROPIC HYPOGONADISM 7 WITHOUT ANOSMIA; GNRHR-Related GnRH Deficiency. Identifiers: Orphanet 432, MedGen C0342384, MONDO:0007794, OMIM 146110.

Allele frequency attached by ClinVar (database versions not stated): TOPMed 0.09512; 1000 Genomes Project 30x 0.10650; gnomAD 0.08422 and 0.09029; 1000 Genomes Project 0.10144.

Submission:

Illumina Laboratory Services, Illumina
Classification: Likely benign for Hypogonadotropic hypogonadism 7 with or without anosmia. Last evaluated: 2017-04-27. Review status: criteria provided, single submitter. Criteria: ICSL Variant Classification Criteria 13 December 2019. Collection method: clinical testing. Allele origin: germline.
Comment: This variant was observed as part of a predisposition screen in an ostensibly healthy population. A literature search was performed for the gene, cDNA change, and amino acid change (where applicable). No publications were found based on this search. Allele frequency data from public databases allowed determination this variant is unlikely to cause disease. Therefore, this variant is classified as likely benign.

NM_000406.2(GNRHR):c.-731C>T

Gene: GNRHR (gonadotropin releasing hormone receptor; minus strand). Cytogenetic location: 4q13.2.
Variant type: single nucleotide variant.
Coding change: c.-731C>T on transcript NM_000406.2; 731 bases upstream of the start codon, C replaced by T.
Genome position (GRCh38, 1-based): chr4:67,755,066, G>A on the plus strand (C>T on the coding strand, the complement: GNRHR is on the minus strand). VCF-style: chr4-67755066-G-A. GRCh37 (hg19) VCF-style: chr4-68620784-G-A.
Identifiers: ClinVar variation 349466 (VCV000349466.7), dbSNP rs2630490, ClinGen allele CA10621584.
Genomic context (GRCh38, chr4:67,755,066, plus strand): 5'-AGTAAAACGGTTAATCAGTTTTTAAATTATTGCCTTGGTTTTTATAATTATCTAAATATT[G>A]TAGTTGCTGTTATTACACATTAATGCATAAGGAAACTAGTTATTGAAGAGAATACTGTGT-3'